The following is an entry in ClinVar:

ClinVar aggregate classification (germline): Uncertain significance (1 of 4 stars; one submission).

Conditions:
Inborn genetic diseases. Identifiers: MedGen C0950123, MeSH D030342.

Submission:

Ambry Genetics
Classification: Uncertain significance for Inborn genetic diseases. Last evaluated: 2026-03-23. Review status: criteria provided, single submitter. Criteria: Ambry Variant Classification Scheme 2023. Collection method: clinical testing. Allele origin: germline.
Comment: The p.S1192P variant (also known as c.3574T>C), located in coding exon 16 of the MECOM gene, results from a T to C substitution at nucleotide position 3574. The serine at codon 1192 is replaced by proline, an amino acid with similar properties. This amino acid position is conserved. In addition, the in silico prediction for this alteration is inconclusive. Based on the available evidence, the clinical significance of this variant remains unclear.

NM_004991.4(MECOM):c.3574T>C (p.Ser1192Pro)

Gene: MECOM (MDS1 and EVI1 complex locus; minus strand). Cytogenetic location: 3q26.2.
Variant type: single nucleotide variant.
Coding change: c.3574T>C on transcript NM_004991.4 (MANE Select); coding-DNA position 3574, T replaced by C.
Protein change: p.Ser1192Pro; replaces serine 1192 with proline.
Molecular consequence: missense variant.
Genome position (GRCh38, 1-based): chr3:169,089,011, A>G on the plus strand (T>C on the coding strand, the complement: MECOM is on the minus strand). VCF-style: chr3-169089011-A-G. GRCh37 (hg19) VCF-style: chr3-168806799-A-G.
Other names: c.3205T>C, p.Ser1069Pro (NM_001105077.4); c.3010T>C, p.Ser1004Pro (NM_001105078.4, NM_001205194.2, NM_001366469.2 and 1 more transcripts); c.2986T>C, p.Ser996Pro (NM_001163999.2, NM_001366470.2); c.2983T>C, p.Ser995Pro (NM_001164000.2, NM_001366471.2, NM_001366472.2); c.3547T>C, p.Ser1183Pro (NM_001366466.2); c.3013T>C, p.Ser1005Pro (NM_001366467.2, NM_001366468.2); c.2575T>C, p.Ser859Pro (NM_001366473.2); c.2011T>C, p.Ser671Pro (NM_001366474.2); short protein forms S1004P, S1005P, S1069P, S1183P, S1192P, S671P, S859P, S995P.
Identifiers: ClinVar variation 4859701 (VCV004859701.1).